The following is an entry in ClinVar:

NM_021224.6(ZNF462):c.237A>T (p.Ser79=)

Gene: ZNF462 (zinc finger protein 462; plus strand). Cytogenetic location: 9q31.2.
Variant type: single nucleotide variant.
Coding change: c.237A>T on transcript NM_021224.6 (MANE Select); coding-DNA position 237, A replaced by T.
Protein change: p.Ser79=; no amino-acid change (serine 79 retained).
Molecular consequence: synonymous variant.
Genome position (GRCh38, 1-based): chr9:106,924,149, A>T. VCF-style: chr9-106924149-A-T. GRCh37 (hg19) VCF-style: chr9-109686430-A-T.
Other names: c.237A>T, p.Ser79= (NM_001347997.2).
Identifiers: ClinVar variation 3046169 (VCV003046169.2), dbSNP rs149559819, ClinGen allele CA5171123.

ClinVar aggregate classification (germline): Likely benign (0 of 4 stars; one submission).

Conditions:
ZNF462-related disorder. Also called: ZNF462 related disease; ZNF462-related condition.

Allele frequency attached by ClinVar (database versions not stated): ExAC 0.00005; gnomAD 0.00007; TOPMed 0.00008; gnomAD exomes 0.00015; ESP Exome Variant Server 0.00023.
gnomAD v4.1: 219 of 1,596,992 alleles (0.014%); highest among the groups gnomAD compares: Non-Finnish European, 0.018%; no homozygotes.

Submission:

PreventionGenetics, part of Exact Sciences
Classification: Likely benign for ZNF462-related condition. Last evaluated: 2019-10-28. Review status: no assertion criteria provided. Collection method: clinical testing. Allele origin: germline.
Comment: This variant is classified as likely benign based on ACMG/AMP sequence variant interpretation guidelines (Richards et al. 2015 PMID: 25741868, with internal and published modifications).